The following is an entry in ClinVar:

NM_002439.5(MSH3):c.359-1G>C

Gene: MSH3 (mutS homolog 3; plus strand). Cytogenetic location: 5q14.1.
Variant type: single nucleotide variant.
Coding change: c.359-1G>C on transcript NM_002439.5 (MANE Select); the canonical splice acceptor site of the intron before coding-DNA position 359, G replaced by C.
Molecular consequence: splice acceptor variant.
Genome position (GRCh38, 1-based): chr5:80,665,142, G>C. VCF-style: chr5-80665142-G-C. GRCh37 (hg19) VCF-style: chr5-79960961-G-C.
Other names: c.359-1G>C (NM_002439.4).
Identifiers: ClinVar variation 2673495 (VCV002673495.2), dbSNP rs1749540054, ClinGen allele CA360262890.

ClinVar aggregate classification (germline): Likely pathogenic. Review status: criteria provided, multiple submitters, no conflicts (2 of 4 stars). 2 submissions from 2 submitters: Likely pathogenic (2). Last evaluated 2025-07-15.

Conditions:
Familial adenomatous polyposis 4 (FAP4). Also called: MSH3-related attenuated familial adenomatous polyposis. Identifiers: Orphanet 480536, MedGen C4310719, MONDO:0044300, OMIM 617100.

Allele frequency attached by ClinVar (database versions not stated): gnomAD 0.00001.
gnomAD v4.1: 1 of 1,613,128 alleles (0.000062%); highest among the groups gnomAD compares: African/African-American, 0.0013%; no homozygotes.

Submissions (2):

Quest Diagnostics Nichols Institute San Juan Capistrano
Classification: Likely pathogenic. Last evaluated: 2025-07-15. Review status: criteria provided, single submitter. Criteria: Quest Diagnostics criteria. Collection method: clinical testing. Allele origin: unknown.
Comment: The MSH3 c.359-1G>C variant disrupts a canonical splice-acceptor site and is predicted to interfere with normal MSH3 mRNA splicing. This variant has not been reported in individuals with MSH3-related conditions in the published literature. The frequency of this variant in the general population (Genome Aggregation Database) is uninformative in the assessment of its pathogenicity. Based on the available information, this variant is classified as likely pathogenic.

Myriad Genetics, Inc.
Classification: Likely pathogenic for Familial adenomatous polyposis 4. Last evaluated: 2023-08-29. Review status: criteria provided, single submitter. Criteria: Myriad Autosomal Dominant, Autosomal Recessive and X-Linked Classification Criteria (2023). Collection method: clinical testing. Allele origin: unknown.
Comment: This variant is considered likely pathogenic. This variant occurs within a consensus splice junction and is predicted to result in abnormal mRNA splicing of either an out-of-frame exon or an in-frame exon necessary for protein stability and/or normal function.